The following is an entry in ClinVar:

NM_001447.3(FAT2):c.7243G>C (p.Glu2415Gln)

Genes: FAT2 (FAT atypical cadherin 2; minus strand), SLC36A1 (solute carrier family 36 member 1; plus strand). Cytogenetic location: 5q33.1.
Variant type: single nucleotide variant.
Coding change: c.7243G>C on transcript NM_001447.3 (MANE Select); coding-DNA position 7243, G replaced by C.
Protein change: p.Glu2415Gln; replaces glutamic acid 2415 with glutamine.
Molecular consequence: missense variant.
Genome position (GRCh38, 1-based): chr5:151,543,884, C>G on the plus strand (G>C on the coding strand, the complement: FAT2 is on the minus strand). VCF-style: chr5-151543884-C-G. GRCh37 (hg19) VCF-style: chr5-150923445-C-G.
Other names: c.7243G>C (NM_001447.2); short protein forms E2415Q.
Identifiers: ClinVar variation 2170502 (VCV002170502.3), dbSNP rs757208092, ClinGen allele CA3520992.

ClinVar aggregate classification (germline): Uncertain significance. Review status: criteria provided, multiple submitters, no conflicts (2 of 4 stars). 2 submissions from 2 submitters: Uncertain significance (2). Last evaluated 2025-01-17.

Allele frequency attached by ClinVar (database versions not stated): gnomAD 0.00001; ExAC 0.00002; TOPMed 0.00003; gnomAD exomes 0.00011.
gnomAD v4.1: 160 of 1,614,032 alleles (0.0099%); highest among the groups gnomAD compares: Non-Finnish European, 0.013%; no homozygotes.

Submissions (2):

Ambry Genetics
Classification: Uncertain significance. Last evaluated: 2025-01-17. Review status: criteria provided, single submitter. Criteria: Ambry Variant Classification Scheme 2023. Collection method: clinical testing. Allele origin: germline.

Labcorp Genetics (formerly Invitae), Labcorp
Classification: Uncertain significance. Last evaluated: 2022-05-16. Review status: criteria provided, single submitter. Criteria: Invitae Variant Classification Sherloc (09022015). Collection method: clinical testing. Allele origin: germline.
Comment: This sequence change replaces glutamic acid, which is acidic and polar, with glutamine, which is neutral and polar, at codon 2415 of the FAT2 protein (p.Glu2415Gln). This variant is present in population databases (rs757208092, gnomAD 0.005%). This variant has not been reported in the literature in individuals affected with FAT2-related conditions. Algorithms developed to predict the effect of missense changes on protein structure and function are either unavailable or do not agree on the potential impact of this missense change (SIFT: "Deleterious"; PolyPhen-2: "Benign"; Align-GVGD: "Class C25"). In summary, the available evidence is currently insufficient to determine the role of this variant in disease. Therefore, it has been classified as a Variant of Uncertain Significance.